The following is an entry in ClinVar:

NM_004744.5(LRAT):c.414C>A (p.Asn138Lys)

Gene: LRAT (lecithin retinol acyltransferase; plus strand). Cytogenetic location: 4q32.1.
Variant type: single nucleotide variant.
Coding change: c.414C>A on transcript NM_004744.5 (MANE Select); coding-DNA position 414, C replaced by A.
Protein change: p.Asn138Lys; replaces asparagine 138 with lysine.
Molecular consequence: missense variant.
Genome position (GRCh38, 1-based): chr4:154,744,740, C>A. VCF-style: chr4-154744740-C-A. GRCh37 (hg19) VCF-style: chr4-155665892-C-A.
Other names: c.414C>A, p.Asn138Lys (NM_001301645.2); short protein forms N138K.
Identifiers: ClinVar variation 1939050 (VCV001939050.6), dbSNP rs372344739, ClinGen allele CA358630638.

ClinVar aggregate classification (germline): Uncertain significance. Review status: criteria provided, multiple submitters, no conflicts (2 of 4 stars). 2 submissions from 2 submitters: Uncertain significance (2). Last evaluated 2024-07-22.

Allele frequency attached by ClinVar (database versions not stated): gnomAD 0.00001.

Submissions (2):

Labcorp Genetics (formerly Invitae), Labcorp
Classification: Uncertain significance. Last evaluated: 2024-07-22. Review status: criteria provided, single submitter. Criteria: Invitae Variant Classification Sherloc (09022015). Collection method: clinical testing. Allele origin: germline.
Comment: This sequence change replaces asparagine, which is neutral and polar, with lysine, which is basic and polar, at codon 138 of the LRAT protein (p.Asn138Lys). This variant is present in population databases (no rsID available, gnomAD 0.03%). This variant has not been reported in the literature in individuals affected with LRAT-related conditions. ClinVar contains an entry for this variant (Variation ID: 1939050). An algorithm developed to predict the effect of missense changes on protein structure and function (PolyPhen-2) suggests that this variant is likely to be disruptive. In summary, the available evidence is currently insufficient to determine the role of this variant in disease. Therefore, it has been classified as a Variant of Uncertain Significance.

Blueprint Genetics
Classification: Uncertain significance. Last evaluated: 2019-11-19. Review status: criteria provided, single submitter. Criteria: ACMG Guidelines, 2015. Collection method: clinical testing. Allele origin: germline.